The following is an entry in ClinVar:

NM_000492.4(CFTR):c.4135G>C (p.Val1379Leu)

Gene: CFTR (CF transmembrane conductance regulator; plus strand). Cytogenetic location: 7q31.2.
Variant type: single nucleotide variant.
Coding change: c.4135G>C on transcript NM_000492.4 (MANE Select); coding-DNA position 4135, G replaced by C.
Protein change: p.Val1379Leu; replaces valine 1379 with leucine.
Molecular consequence: missense variant.
Genome position (GRCh38, 1-based): chr7:117,664,859, G>C. VCF-style: chr7-117664859-G-C. GRCh37 (hg19) VCF-style: chr7-117304913-G-C.
Other names: short protein forms V1379L.
Identifiers: ClinVar variation 2754962 (VCV002754962.3), dbSNP rs758433792, ClinGen allele CA4451637.

ClinVar aggregate classification (germline): Uncertain significance (1 of 4 stars; one submission).

Conditions:
Cystic fibrosis (CF). Also called: MUCOVISCIDOSIS. Identifiers: Orphanet 586, MedGen C0010674, MONDO:0009061, OMIM 219700. Disease mechanism: loss of function.

Allele frequency attached by ClinVar (database versions not stated): ExAC 0.00001.
gnomAD v4.1: 1 of 1,613,848 alleles (0.000062%); highest among the groups gnomAD compares: Non-Finnish European, 0.000085%; no homozygotes.

Submission:

Labcorp Genetics (formerly Invitae), Labcorp
Classification: Uncertain significance for Cystic fibrosis. Last evaluated: 2023-08-24. Review status: criteria provided, single submitter. Criteria: Invitae Variant Classification Sherloc (09022015). Collection method: clinical testing. Allele origin: germline.
Comment: In summary, the available evidence is currently insufficient to determine the role of this variant in disease. Therefore, it has been classified as a Variant of Uncertain Significance. An algorithm developed to predict the effect of missense changes on protein structure and function (PolyPhen-2) suggests that this variant is likely to be tolerated. This variant has not been reported in the literature in individuals affected with CFTR-related conditions. This variant is present in population databases (rs758433792, gnomAD 0.0009%). This sequence change replaces valine, which is neutral and non-polar, with leucine, which is neutral and non-polar, at codon 1379 of the CFTR protein (p.Val1379Leu).